The following is an entry in ClinVar:

NM_001429.4(EP300):c.2611C>G (p.Pro871Ala)

Gene: EP300 (EP300 lysine acetyltransferase; plus strand). Cytogenetic location: 22q13.2.
Variant type: single nucleotide variant.
Coding change: c.2611C>G on transcript NM_001429.4 (MANE Select); coding-DNA position 2611, C replaced by G.
Protein change: p.Pro871Ala; replaces proline 871 with alanine.
Molecular consequence: missense variant.
Genome position (GRCh38, 1-based): chr22:41,149,992, C>G. VCF-style: chr22-41149992-C-G. GRCh37 (hg19) VCF-style: chr22-41545996-C-G.
Other names: c.2533C>G, p.Pro845Ala (NM_001362843.2); short protein forms P871A, P845A.
Identifiers: ClinVar variation 4993715 (VCV004993715.1).

ClinVar aggregate classification (germline): Uncertain significance (1 of 4 stars; one submission).

Conditions:
EP300-related disorder. Also called: EP300-related condition; EP300-related disorders.

Submission:

PreventionGenetics, part of Exact Sciences
Classification: Uncertain significance for EP300-related condition. Last evaluated: 2026-09-02. Review status: criteria provided, single submitter. Criteria: ACMG Guidelines, 2015. Collection method: clinical testing. Allele origin: germline.
Comment: The EP300 c.2611C>G variant is predicted to result in the amino acid substitution p.Pro871Ala. To our knowledge, this variant has not been reported in the literature or in a large population database (gnomAD), indicating this variant is rare. At this time, the clinical significance of this variant is uncertain due to the absence of conclusive functional and genetic evidence.